The following is an entry in ClinVar:

ClinVar aggregate classification (germline): Pathogenic (1 of 4 stars; one submission).

Submission:

Labcorp Genetics (formerly Invitae), Labcorp
Classification: Pathogenic. Last evaluated: 2022-05-12. Review status: criteria provided, single submitter. Criteria: Invitae Variant Classification Sherloc (09022015). Collection method: clinical testing. Allele origin: germline.
Comment: For these reasons, this variant has been classified as Pathogenic. This variant has not been reported in the literature in individuals affected with POLE-related conditions. This variant is not present in population databases (gnomAD no frequency). This sequence change creates a premature translational stop signal (p.Gly1482Argfs*63) in the POLE gene. It is expected to result in an absent or disrupted protein product. Loss-of-function variants in POLE are known to be pathogenic (PMID: 23230001, 25948378, 30503519).

Literature cited by the submitters: PubMed 23230001; PubMed 25948378; PubMed 30503519.

NM_006231.4(POLE):c.4443dup (p.Gly1482fs)

Gene: POLE (DNA polymerase epsilon, catalytic subunit; minus strand). Cytogenetic location: 12q24.33.
Variant type: Duplication.
Coding change: c.4443dup on transcript NM_006231.4 (MANE Select); coding-DNA position 4443, one base duplicated (A; older notation c.4443dupA).
Protein change: p.Gly1482fs; shifts the reading frame from glycine 1482.
Molecular consequence: frameshift variant.
Genome position (GRCh38, 1-based): chr12:132,643,408, T duplicated on the plus strand (A on the coding strand, the reverse complement: POLE is on the minus strand). VCF-style (leftmost placement, unchanged base first): chr12-132643407-C-CT. GRCh37 (hg19) VCF-style: chr12-133219993-C-CT.
Other names: short protein forms G1482fs.
Identifiers: ClinVar variation 2100845 (VCV002100845.4), dbSNP rs2541891452, ClinGen allele CA2580086090.